The following is an entry in ClinVar:

NM_021244.5(RRAGD):c.1004T>G (p.Phe335Cys)

Genes: RRAGD (Ras related GTP binding D; minus strand), LOC121740658 (Sharpr-MPRA regulatory region 13381; plus strand). Cytogenetic location: 6q15.
Variant type: single nucleotide variant.
Coding change: c.1004T>G on transcript NM_021244.5 (MANE Select); coding-DNA position 1004, T replaced by G.
Protein change: p.Phe335Cys; replaces phenylalanine 335 with cysteine.
Molecular consequence: missense variant.
Genome position (GRCh38, 1-based): chr6:89,372,484, A>C on the plus strand (T>G on the coding strand, the complement: RRAGD is on the minus strand). VCF-style: chr6-89372484-A-C. GRCh37 (hg19) VCF-style: chr6-90082203-A-C.
Other names: short protein forms F335C.
Identifiers: ClinVar variation 4833781 (VCV004833781.3).

ClinVar aggregate classification (germline): Uncertain significance. Review status: criteria provided, multiple submitters, no conflicts (2 of 4 stars). 2 submissions from 2 submitters: Uncertain significance (2). Last evaluated 2026-04-22.

Conditions:
Inborn genetic diseases. Identifiers: MedGen C0950123, MeSH D030342.

gnomAD v4.1: 1 of 1,613,754 alleles (0.000062%); highest among the groups gnomAD compares: Non-Finnish European, 0.000085%; no homozygotes.

Submissions (2):

Dasa
Classification: Uncertain significance. Last evaluated: 2026-04-22. Review status: criteria provided, single submitter. Criteria: DASA Assertion Criteria. Collection method: clinical testing. Allele origin: germline.
Comment: NM_021244.5(RRAGD):c.1004T>G (p.Phe335Cys) is a missense variant that results in the substitution of phenylalanine with cysteine. This variant is rare in population databases. Computational prediction algorithms are consistent with a deleterious effect. The currently available literature and clinical evidence are not sufficient to establish a definitive association between this variant and the reported condition. Therefore, this variant is classified as a variant of uncertain significance.

Ambry Genetics
Classification: Uncertain significance for Inborn genetic diseases. Last evaluated: 2025-12-15. Review status: criteria provided, single submitter. Criteria: Ambry Variant Classification Scheme 2023. Collection method: clinical testing. Allele origin: germline.